The following is an entry in ClinVar:

ClinVar aggregate classification (germline): Uncertain significance (0 of 4 stars; one submission).

Conditions:
HOXA2-related disorder. Also called: HOXA2-related condition.

Allele frequency attached by ClinVar (database versions not stated): gnomAD 0.00001; gnomAD exomes 0.00002; 1000 Genomes Project 30x 0.00031; ExAC 0.00036; 1000 Genomes Project 0.00040.
gnomAD v4.1: 32 of 1,484,858 alleles (0.0022%); highest among the groups gnomAD compares: South Asian, 0.042%; 1 homozygote.

Submission:

PreventionGenetics, part of Exact Sciences
Classification: Uncertain significance for HOXA2-related condition. Last evaluated: 2023-12-06. Review status: no assertion criteria provided. Collection method: clinical testing. Allele origin: germline.
Comment: The HOXA2 c.256C>A variant is predicted to result in the amino acid substitution p.Pro86Thr. To our knowledge, this variant has not been reported in the literature. This variant is reported in 0.050% of alleles in individuals of South Asian descent in gnomAD. At this time, the clinical significance of this variant is uncertain due to the absence of conclusive functional and genetic evidence.

NM_006735.4(HOXA2):c.256C>A (p.Pro86Thr)

Gene: HOXA2 (homeobox A2; minus strand). Cytogenetic location: 7p15.2.
Variant type: single nucleotide variant.
Coding change: c.256C>A on transcript NM_006735.4 (MANE Select); coding-DNA position 256, C replaced by A.
Protein change: p.Pro86Thr; replaces proline 86 with threonine.
Molecular consequence: missense variant.
Genome position (GRCh38, 1-based): chr7:27,102,245, G>T on the plus strand (C>A on the coding strand, the complement: HOXA2 is on the minus strand). VCF-style: chr7-27102245-G-T. GRCh37 (hg19) VCF-style: chr7-27141864-G-T.
Other names: short protein forms P86T.
Identifiers: ClinVar variation 3045879 (VCV003045879.2), dbSNP rs552586989, ClinGen allele CA4196281.